The following is an entry in ClinVar:

NM_144573.4(NEXN):c.25_27+2del

Gene: NEXN (nexilin F-actin binding protein; plus strand). Cytogenetic location: 1p31.1.
Variant type: Deletion.
Coding change: c.25_27+2del on transcript NM_144573.4 (MANE Select); coding-DNA position 25 through the canonical splice donor site of the intron after coding-DNA position 27, 5 bases deleted (GAGGT; older notation c.25_27+2delGAGGT).
Molecular consequence: splice donor variant.
Genome position (GRCh38, 1-based): chr1:77,916,131-77,916,135, GAGGT deleted; deleting any 5 consecutive bases within chr1:77,916,130-77,916,135 gives the same sequence; the c. name uses the placement nearest the transcript's 3' end. VCF-style (leftmost placement, unchanged base first): chr1-77916129-CTGAGG-C. GRCh37 (hg19) VCF-style: chr1-78381814-CTGAGG-C.
Other names: c.25_27+2del (NM_001172309.2).
Identifiers: ClinVar variation 2561771 (VCV002561771.2), dbSNP rs763871072, ClinGen allele CA918540.
Genomic context (GRCh38, chr1:77,916,129, plus strand): 5'-AGAGCTTCATAATCAGCCCAAGACCACATAGAGCAAACATGAATGATATTTCCCAAAAGG[CTGAGG>C]TAAGTCTCAAAAGTAAAAATAAAAATAAAAGAGGGAAATGTAGAGTTGACTGTAGAATTG-3'

ClinVar aggregate classification (germline): Uncertain significance (1 of 4 stars; one submission).

Conditions:
Cardiovascular phenotype. Identifiers: MedGen CN230736.

Submission:

Ambry Genetics
Classification: Uncertain significance for Cardiovascular phenotype. Last evaluated: 2023-06-09. Review status: criteria provided, single submitter. Criteria: Ambry Variant Classification Scheme 2023. Collection method: clinical testing. Allele origin: germline.
Comment: The c.25_27+2delGAGGT variant results from a deletion of 5 nucleotides between positions 25 and 27+2 and involves the canonical splice donor site after coding exon 1 of the NEXN gene. This variant is considered to be rare based on population cohorts in the Genome Aggregation Database (gnomAD). The canonical splice donor site is highly conserved in available vertebrate species. In silico splice site analysis predicts that this alteration will weaken the native splice donor site. Alterations that disrupt the canonical splice site are expected to cause aberrant splicing, resulting in an abnormal protein or a transcript that is subject to nonsense-mediated mRNA decay. Although biallelic loss of function alterations in NEXN have been associated with autosomal recessive NEXN-related cardiomyopathy, haploinsufficiency for NEXN has not been clearly established as a mechanism of disease for autosomal dominant NEXN-related cardiomyopathy. Since supporting evidence is limited at this time, the clinical significance of this alteration remains unclear.